The following is an entry in ClinVar:

NM_016507.4(CDK12):c.1721G>T (p.Ser574Ile)

Gene: CDK12 (cyclin dependent kinase 12; plus strand). Cytogenetic location: 17q12.
Variant type: single nucleotide variant.
Coding change: c.1721G>T on transcript NM_016507.4 (MANE Select); coding-DNA position 1721, G replaced by T.
Protein change: p.Ser574Ile; replaces serine 574 with isoleucine.
Molecular consequence: missense variant.
Genome position (GRCh38, 1-based): chr17:39,471,553, G>T. VCF-style: chr17-39471553-G-T. GRCh37 (hg19) VCF-style: chr17-37627806-G-T.
Other names: c.1721G>T, p.Ser574Ile (NM_015083.4); short protein forms S574I.
Identifiers: ClinVar variation 4224272 (VCV004224272.1).

ClinVar aggregate classification (germline): Uncertain significance (1 of 4 stars; one submission).

Submission:

Ambry Genetics
Classification: Uncertain significance. Last evaluated: 2025-07-09. Review status: criteria provided, single submitter. Criteria: Ambry Variant Classification Scheme 2023. Collection method: clinical testing. Allele origin: germline.
Comment: The p.S574I variant (also known as c.1721G>T), located in coding exon 2 of the CDK12 gene, results from a G to T substitution at nucleotide position 1721. The serine at codon 574 is replaced by isoleucine, an amino acid with dissimilar properties. This amino acid position is conserved. In addition, this alteration is predicted to be tolerated by in silico analysis. Based on the available evidence, the clinical significance of this variant remains unclear.